The following is an entry in ClinVar:

NM_018191.4(RCBTB1):c.151A>G (p.Ser51Gly)

Gene: RCBTB1 (RCC1 and BTB domain containing protein 1; minus strand). Cytogenetic location: 13q14.2.
Variant type: single nucleotide variant.
Coding change: c.151A>G on transcript NM_018191.4 (MANE Select); coding-DNA position 151, A replaced by G.
Protein change: p.Ser51Gly; replaces serine 51 with glycine.
Molecular consequence: missense variant. On other transcripts: 5 prime UTR variant (1), non-coding transcript variant (2).
Genome position (GRCh38, 1-based): chr13:49,566,744, T>C on the plus strand (A>G on the coding strand, the complement: RCBTB1 is on the minus strand). VCF-style: chr13-49566744-T-C. GRCh37 (hg19) VCF-style: chr13-50140880-T-C.
Other names: c.151A>G, p.Ser51Gly (NM_001352500.2, NM_001352501.2, NM_001352502.2 and 3 more transcripts); c.-459A>G (NM_001352506.2); short protein forms S51G.
Identifiers: ClinVar variation 2095550 (VCV002095550.4), dbSNP rs1371967391, ClinGen allele CA388195833.
Genomic context (GRCh38, chr13:49,566,744, plus strand): 5'-AGCCTTCTAGCTTTTTGGGTACAAGTGTACTCTGGTTATCTCCAGTTCCTAGACAGTTAC[T>C]ATAGTTCAGTCCAAATACAAAGACCTAGAAAATAGATAGTTTTTTTTCTGAGTCTTTTGA-3'
Protein context (NP_060661.3, residues 41-61): DEVFVFGLNY[Ser51Gly]NCLGTGDNQS

ClinVar aggregate classification (germline): Uncertain significance (1 of 4 stars; one submission).

Allele frequency attached by ClinVar (database versions not stated): gnomAD exomes below 0.00001; TOPMed below 0.00001; gnomAD 0.00001.
gnomAD v4.1: 2 of 1,612,458 alleles (0.00012%); highest among the groups gnomAD compares: African/African-American, 0.0013%; no homozygotes.

Submission:

Labcorp Genetics (formerly Invitae), Labcorp
Classification: Uncertain significance. Last evaluated: 2022-02-09. Review status: criteria provided, single submitter. Criteria: Invitae Variant Classification Sherloc (09022015). Collection method: clinical testing. Allele origin: germline.
Comment: This sequence change replaces serine, which is neutral and polar, with glycine, which is neutral and non-polar, at codon 51 of the RCBTB1 protein (p.Ser51Gly). This variant is present in population databases (no rsID available, gnomAD 0.004%). This variant has not been reported in the literature in individuals affected with RCBTB1-related conditions. Algorithms developed to predict the effect of missense changes on protein structure and function are either unavailable or do not agree on the potential impact of this missense change (SIFT: "Deleterious"; PolyPhen-2: "Possibly Damaging"; Align-GVGD: "Class C0"). Algorithms developed to predict the effect of sequence changes on RNA splicing suggest that this variant may create or strengthen a splice site. In summary, the available evidence is currently insufficient to determine the role of this variant in disease. Therefore, it has been classified as a Variant of Uncertain Significance.